The following is an entry in ClinVar:

NM_002485.5(NBN):c.2009G>T (p.Arg670Ile)

Gene: NBN (nibrin; minus strand). Cytogenetic location: 8q21.3.
Variant type: single nucleotide variant.
Coding change: c.2009G>T on transcript NM_002485.5 (MANE Select); coding-DNA position 2009, G replaced by T.
Protein change: p.Arg670Ile; replaces arginine 670 with isoleucine.
Molecular consequence: missense variant.
Genome position (GRCh38, 1-based): chr8:89,946,201, C>A on the plus strand (G>T on the coding strand, the complement: NBN is on the minus strand). VCF-style: chr8-89946201-C-A. GRCh37 (hg19) VCF-style: chr8-90958429-C-A.
Other names: c.1763G>T, p.Arg588Ile (NM_001024688.3); short protein forms R670I, R588I.
Identifiers: ClinVar variation 483956 (VCV000483956.5), dbSNP rs1554556522, ClinGen allele CA371676451.

ClinVar aggregate classification (germline): Uncertain significance (1 of 4 stars; one submission).

Conditions:
Hereditary cancer-predisposing syndrome. Also called: Neoplastic Syndromes, Hereditary; Tumor predisposition; Hereditary Cancer Syndrome; Hereditary neoplastic syndrome. Identifiers: Orphanet 140162, MedGen C0027672, MeSH D009386, MONDO:0015356.

Submission:

Ambry Genetics
Classification: Uncertain significance for Hereditary cancer-predisposing syndrome. Last evaluated: 2016-04-04. Review status: criteria provided, single submitter. Criteria: Ambry Variant Classification Scheme 2023. Collection method: clinical testing. Allele origin: germline.
Comment: The p.R670I variant (also known as c.2009G>T), located in coding exon 13 of the NBN gene, results from a G to T substitution at nucleotide position 2009. The arginine at codon 670 is replaced by isoleucine, an amino acid with similar properties. This variant was not reported in population based cohorts in the following databases: Database of Single Nucleotide Polymorphisms (dbSNP), NHLBI Exome Sequencing Project (ESP), and 1000 Genomes Project. In the ESP, this variant was not observed in 6501 samples (13002 alleles) with coverage at this position. To date, this alteration has been detected with an allele frequency of approximately 0.001% (greater than 120000 alleles tested) in our clinical cohort. This amino acid position is not well conserved in available vertebrate species. In addition, this alteration is predicted to be tolerated by in silico analysis. Since supporting evidence is limited at this time, the clinical significance of this alteration remains unclear.